The following is an entry in ClinVar:

NM_003638.3(ITGA8):c.2812C>T (p.Arg938Ter)

Gene: ITGA8 (integrin subunit alpha 8; minus strand). Cytogenetic location: 10p13.
Variant type: single nucleotide variant.
Coding change: c.2812C>T on transcript NM_003638.3 (MANE Select); coding-DNA position 2812, C replaced by T.
Protein change: p.Arg938Ter; replaces arginine 938 with a stop codon.
Molecular consequence: nonsense.
Genome position (GRCh38, 1-based): chr10:15,548,523, G>A on the plus strand (C>T on the coding strand, the complement: ITGA8 is on the minus strand). VCF-style: chr10-15548523-G-A. GRCh37 (hg19) VCF-style: chr10-15590522-G-A.
Other names: c.2767C>T, p.Arg923Ter (NM_001291494.2); short protein forms R923*, R938*.
Identifiers: ClinVar variation 4688183 (VCV004688183.2).

ClinVar aggregate classification (germline): Pathogenic. Review status: criteria provided, multiple submitters, no conflicts (2 of 4 stars). 2 submissions from 2 submitters: Pathogenic (2). Last evaluated 2026-03-05.

Conditions:
Renal hypodysplasia/aplasia 1 (RHDA1). Also called: HEREDITARY RENAL APLASIA; RENAL APLASIA. Identifiers: Orphanet 411709, MedGen C1619700, MONDO:0024519, OMIM 191830.

gnomAD v4.1: 14 of 1,605,908 alleles (0.00087%); highest among the groups gnomAD compares: Middle Eastern, 0.017%; no homozygotes.

Submissions (2):

Mendelics
Classification: Pathogenic for Renal hypodysplasia/aplasia 1. Last evaluated: 2026-03-05. Review status: criteria provided, single submitter. Criteria: ACMG Guidelines, 2015. Collection method: clinical testing. Allele origin: unknown.
Comment: Likely pathogenic/Pathogenic according to ACMG criteria.

Women's Health and Genetics/Laboratory Corporation of America, LabCorp
Classification: Pathogenic for Renal hypodysplasia/aplasia 1. Last evaluated: 2025-08-11. Review status: criteria provided, single submitter. Criteria: LabCorp Variant Classification Summary - May 2015. Collection method: clinical testing. Allele origin: germline.
Comment: Variant summary: ITGA8 c.2812C>T (p.Arg938X) results in a premature termination codon, predicted to cause a truncation of the encoded protein or absence of the protein due to nonsense mediated decay, which are commonly known mechanisms for disease. The variant allele was found at a frequency of 1.2e-05 in 242664 control chromosomes. c.2812C>T has been observed in individual(s) affected with chronic kidney disease (e.g., Liu_2022). The following publication has been ascertained in the context of this evaluation (PMID: 36549658). No submitters have cited clinical-significance assessments for this variant to ClinVar. Based on the evidence outlined above, the variant was classified as pathogenic.

Literature cited by the submitters: PubMed 36549658 (cited by Women's Health and Genetics/Laboratory Corporation of America, LabCorp).